The following is an entry in ClinVar:

ClinVar aggregate classification (germline): Uncertain significance (1 of 4 stars; one submission).

Allele frequency attached by ClinVar (database versions not stated): gnomAD exomes below 0.00001.
gnomAD v4.1: 1 of 1,613,016 alleles (0.000062%); highest among the groups gnomAD compares: Non-Finnish European, 0.000085%; no homozygotes.

Submission:

GeneDx
Classification: Uncertain significance. Last evaluated: 2023-01-05. Review status: criteria provided, single submitter. Criteria: GeneDx Variant Classification Process June 2021. Collection method: clinical testing. Allele origin: germline. Affected: yes.
Comment: Not observed at significant frequency in large population cohorts (gnomAD); In silico analysis supports that this missense variant has a deleterious effect on protein structure/function; Has not been previously published as pathogenic or benign to our knowledge; This variant is associated with the following publications: (PMID: 21520338, 31554319, 9590290)

NM_005422.4(TECTA):c.4484T>G (p.Phe1495Cys)

Genes: TBCEL-TECTA (TBCEL-TECTA readthrough; plus strand), TECTA (tectorin alpha; plus strand). Cytogenetic location: 11q23.3.
Variant type: single nucleotide variant.
Coding change: c.4484T>G on transcript NM_005422.4 (MANE Select); coding-DNA position 4484, T replaced by G.
Protein change: p.Phe1495Cys; replaces phenylalanine 1495 with cysteine.
Molecular consequence: missense variant.
Genome position (GRCh38, 1-based): chr11:121,158,019, T>G. VCF-style: chr11-121158019-T-G. GRCh37 (hg19) VCF-style: chr11-121028728-T-G.
Other names: c.5441T>G, p.Phe1814Cys (NM_001378761.1); short protein forms F1495C, F1814C.
Identifiers: ClinVar variation 2571857 (VCV002571857.1), dbSNP rs1380123543, ClinGen allele CA383027054.
Genomic context (GRCh38, chr11:121,158,019, plus strand): 5'-GGGTGCGCGGCTGCTTCAGCACCAAGACCTCCTACTGCCTGGCGGCCGGCGGCGGCGTCT[T>G]CCGCACCTTCGACGGCGCCTTCCTGCGCTTCCCAGCCAACTGCGCCTTCGTGCTGTCCAC-3'
Protein context (NP_005413.2, residues 1485-1505): SYCLAAGGGV[Phe1495Cys]RTFDGAFLRF